The following is an entry in ClinVar:

ClinVar aggregate classification (germline): Uncertain significance (1 of 4 stars; one submission).

Conditions:
Cockayne syndrome. Identifiers: Orphanet 191, MedGen C0009207, MONDO:0016006.
Fanconi anemia complementation group Q. Identifiers: Orphanet 84, MedGen C3808988, MONDO:0014108, OMIM 615272.
Xeroderma pigmentosum, group F (XPF). Also called: XERODERMA PIGMENTOSUM, COMPLEMENTATION GROUP F; XERODERMA PIGMENTOSUM VI; XP, GROUP F; XERODERMA PIGMENTOSUM, TYPE F; Xeroderma pigmentosum, type 6; ERCC4-Related Xeroderma Pigmentosum. Identifiers: MedGen C0268140, MONDO:0010215, OMIM 278760.

Allele frequency attached by ClinVar (database versions not stated): gnomAD exomes below 0.00001.
gnomAD v4.1: 5 of 1,611,932 alleles (0.00031%); highest among the groups gnomAD compares: Non-Finnish European, 0.00042%; no homozygotes.

Submission:

Labcorp Genetics (formerly Invitae), Labcorp
Classification: Uncertain significance for Fanconi anemia complementation group Q; Xeroderma pigmentosum, group F; Cockayne syndrome. Last evaluated: 2023-07-25. Review status: criteria provided, single submitter. Criteria: Invitae Variant Classification Sherloc (09022015). Collection method: clinical testing. Allele origin: germline.
Comment: In summary, the available evidence is currently insufficient to determine the role of this variant in disease. Therefore, it has been classified as a Variant of Uncertain Significance. Advanced modeling of protein sequence and biophysical properties (such as structural, functional, and spatial information, amino acid conservation, physicochemical variation, residue mobility, and thermodynamic stability) performed at Invitae indicates that this missense variant is not expected to disrupt ERCC4 protein function. This variant has not been reported in the literature in individuals affected with ERCC4-related conditions. This variant is not present in population databases (gnomAD no frequency). This sequence change replaces tyrosine, which is neutral and polar, with histidine, which is basic and polar, at codon 610 of the ERCC4 protein (p.Tyr610His).

NM_005236.3(ERCC4):c.1828T>C (p.Tyr610His)

Gene: ERCC4 (ERCC excision repair 4, endonuclease catalytic subunit; plus strand). Cytogenetic location: 16p13.12.
Variant type: single nucleotide variant.
Coding change: c.1828T>C on transcript NM_005236.3 (MANE Select); coding-DNA position 1828, T replaced by C.
Protein change: p.Tyr610His; replaces tyrosine 610 with histidine.
Molecular consequence: missense variant.
Genome position (GRCh38, 1-based): chr16:13,937,782, T>C. VCF-style: chr16-13937782-T-C. GRCh37 (hg19) VCF-style: chr16-14031639-T-C.
Other names: short protein forms Y610H.
Identifiers: ClinVar variation 2924980 (VCV002924980.2), dbSNP rs2543184075, ClinGen allele CA394813905.
Genomic context (GRCh38, chr16:13,937,782, plus strand): 5'-AAAATGCTGTTTTTCCAACCTAAAAGTTCTGTCTTAACATGCAGGGTTTACTTTCTTATA[T>C]ACGGAGGTTCAACTGAGGAACAACGCTATCTCACTGCTTTGCGGAAAGAAAAGGAAGCTT-3'
Protein context (NP_005227.1, residues 600-620): GKPLRVYFLI[Tyr610His]GGSTEEQRYL